The following is an entry in ClinVar:

ClinVar aggregate classification (germline): Uncertain significance. Review status: criteria provided, multiple submitters, no conflicts (2 of 4 stars). 2 submissions from 2 submitters: Uncertain significance (2). Last evaluated 2020-10-20.

Conditions:
Hereditary cancer-predisposing syndrome. Also called: Neoplastic Syndromes, Hereditary; Tumor predisposition; Hereditary Cancer Syndrome; Hereditary neoplastic syndrome. Identifiers: Orphanet 140162, MedGen C0027672, MeSH D009386, MONDO:0015356.
Familial cancer of breast. Also called: BREAST CANCER, FAMILIAL; Hereditary breast cancer; hereditary breast carcinoma. Identifiers: Orphanet 227535, MedGen C0346153, MONDO:0016419, OMIM 114480. Disease mechanism: loss of function.

Submissions (2):

Labcorp Genetics (formerly Invitae), Labcorp
Classification: Uncertain significance for Familial cancer of breast. Last evaluated: 2020-10-20. Review status: criteria provided, single submitter. Criteria: Invitae Variant Classification Sherloc (09022015). Collection method: clinical testing. Allele origin: germline.
Comment: This sequence change replaces threonine with serine at codon 361 of the PALB2 protein (p.Thr361Ser). The threonine residue is weakly conserved and there is a small physicochemical difference between threonine and serine. This variant is not present in population databases (ExAC no frequency). This variant has not been reported in the literature in individuals with PALB2-related disease. ClinVar contains an entry for this variant (Variation ID: 482016). Algorithms developed to predict the effect of missense changes on protein structure and function output the following: SIFT: "Tolerated"; PolyPhen-2: "Benign"; Align-GVGD: "Class C0". The serine amino acid residue is found in multiple mammalian species, suggesting that this missense change does not adversely affect protein function. These predictions have not been confirmed by published functional studies and their clinical significance is uncertain. In summary, the available evidence is currently insufficient to determine the role of this variant in disease. Therefore, it has been classified as a Variant of Uncertain Significance.

Ambry Genetics
Classification: Uncertain significance for Hereditary cancer-predisposing syndrome. Last evaluated: 2016-02-18. Review status: criteria provided, single submitter. Criteria: Ambry Variant Classification Scheme 2023. Collection method: clinical testing. Allele origin: germline.
Comment: The p.T361S variant (also known as c.1081A>T), located in coding exon 4 of the PALB2 gene, results from an A to T substitution at nucleotide position 1081. The threonine at codon 361 is replaced by serine, an amino acid with similar properties. This variant was not reported in population based cohorts in the following databases: Database of Single Nucleotide Polymorphisms (dbSNP), NHLBI Exome Sequencing Project (ESP), and 1000 Genomes Project. In the ESP, this variant was not observed in 6497 samples (12994 alleles) with coverage at this position. To date, this alteration has been detected with an allele frequency of approximately 0.001% (greater than 130000 alleles tested) in our clinical cohort. This amino acid position is poorly conserved in available vertebrate species. In addition, this alteration is predicted to be tolerated by in silico analysis. Since supporting evidence is limited at this time, the clinical significance of this alteration remains unclear.

NM_024675.4(PALB2):c.1081A>T (p.Thr361Ser)

Gene: PALB2 (partner and localizer of BRCA2; minus strand). Cytogenetic location: 16p12.2.
Variant type: single nucleotide variant.
Coding change: c.1081A>T on transcript NM_024675.4 (MANE Select); coding-DNA position 1081, A replaced by T.
Protein change: p.Thr361Ser; replaces threonine 361 with serine.
Molecular consequence: missense variant.
Genome position (GRCh38, 1-based): chr16:23,635,465, T>A on the plus strand (A>T on the coding strand, the complement: PALB2 is on the minus strand). VCF-style: chr16-23635465-T-A. GRCh37 (hg19) VCF-style: chr16-23646786-T-A.
Other names: short protein forms T361S.
Identifiers: ClinVar variation 482016 (VCV000482016.15), dbSNP rs111981798, ClinGen allele CA395133939.
Genomic context (GRCh38, chr16:23,635,465, plus strand): 5'-GACTCTTAGGTTGACTTAGAATCTCACTTTCCTGAAGATTTTCATTCCTGCCATCAAGAG[T>A]GTCACTGGGAGATTTTAAAGATTTCTCTGTTTGATTTTGTTCTTTTAAGTTTTGGTTTTC-3'
Protein context (NP_078951.2, residues 351-371): TEKSLKSPSD[Thr361Ser]LDGRNENLQE